The following is an entry in ClinVar:

NM_000088.4(COL1A1):c.1044del (p.Val349fs)

Gene: COL1A1 (collagen type I alpha 1 chain; minus strand). Cytogenetic location: 17q21.33.
Variant type: Deletion.
Coding change: c.1044del on transcript NM_000088.4 (MANE Select); coding-DNA position 1044, one base deleted (T; older notation c.1044delT).
Protein change: p.Val349fs; shifts the reading frame from valine 349.
Molecular consequence: frameshift variant.
Genome position (GRCh38, 1-based): chr17:50,195,935, A deleted on the plus strand (T on the coding strand, the reverse complement: COL1A1 is on the minus strand). VCF-style (leftmost placement, unchanged base first): chr17-50195934-CA-C. GRCh37 (hg19) VCF-style: chr17-48273295-CA-C.
Other names: c.1044delT (NM_000088.3); short protein forms V349fs.
Identifiers: ClinVar variation 817188 (VCV000817188.2), dbSNP rs1598297666, ClinGen allele CA915950615.
Genomic context (GRCh38, chr17:50,195,934, plus strand): 5'-ACCCCTTGGCCCATGAGGGTCATGCTTAGAGGAGAGTGGGGGGTCTCACCTTAGCACCAA[CA>C]GCACCAGGGAAGCCAGGAGGACCAGCGGGGCCGGTGGGACCCTGTGAATGAAATGGAGAT-3'

ClinVar aggregate classification (germline): Likely pathogenic (1 of 4 stars; one submission).

Submission:

GeneDx
Classification: Likely pathogenic. Last evaluated: 2020-09-09. Review status: criteria provided, single submitter. Criteria: GeneDx Variant Classification Process June 2021. Collection method: clinical testing. Allele origin: germline. Affected: yes.
Comment: Frameshift variant predicted to result in protein truncation or nonsense mediated decay in a gene for which loss-of-function is a known mechanism of disease; Not observed in large population cohorts (Lek et al., 2016)